The following is an entry in ClinVar:

NM_001793.6(CDH3):c.478G>A (p.Val160Ile)

Gene: CDH3 (cadherin 3; plus strand). Cytogenetic location: 16q22.1.
Variant type: single nucleotide variant.
Coding change: c.478G>A on transcript NM_001793.6 (MANE Select); coding-DNA position 478, G replaced by A.
Protein change: p.Val160Ile; replaces valine 160 with isoleucine.
Molecular consequence: missense variant.
Genome position (GRCh38, 1-based): chr16:68,678,588, G>A. VCF-style: chr16-68678588-G-A. GRCh37 (hg19) VCF-style: chr16-68712491-G-A.
Other names: c.478G>A, p.Val160Ile (NM_001317195.3); c.313G>A, p.Val105Ile (NM_001317196.2); short protein forms V105I, V160I.
Identifiers: ClinVar variation 1059662 (VCV001059662.7), dbSNP rs761132411, ClinGen allele CA8129046.

ClinVar aggregate classification (germline): Uncertain significance (1 of 4 stars; one submission).

Allele frequency attached by ClinVar (database versions not stated): gnomAD exomes below 0.00001 and 0.00001; ExAC 0.00001.
gnomAD v4.1: 4 of 1,614,248 alleles (0.00025%); highest among the groups gnomAD compares: East Asian, 0.0089%; no homozygotes.

Submission:

Labcorp Genetics (formerly Invitae), Labcorp
Classification: Uncertain significance. Last evaluated: 2020-09-11. Review status: criteria provided, single submitter. Criteria: Invitae Variant Classification Sherloc (09022015). Collection method: clinical testing. Allele origin: germline.
Comment: In summary, the available evidence is currently insufficient to determine the role of this variant in disease. Therefore, it has been classified as a Variant of Uncertain Significance. Algorithms developed to predict the effect of missense changes on protein structure and function output the following: SIFT: "Not Available"; PolyPhen-2: "Benign"; Align-GVGD: "Not Available". The isoleucine amino acid residue is found in multiple mammalian species, suggesting that this missense change does not adversely affect protein function. These predictions have not been confirmed by published functional studies and their clinical significance is uncertain. This variant has not been reported in the literature in individuals with CDH3-related conditions. This variant is present in population databases (rs761132411, ExAC 0.001%). This sequence change replaces valine with isoleucine at codon 160 of the CDH3 protein (p.Val160Ile). The valine residue is weakly conserved and there is a small physicochemical difference between valine and isoleucine.